The following is an entry in ClinVar:

ClinVar aggregate classification (germline): Uncertain significance (1 of 4 stars; one submission).

Conditions:
Autosomal dominant limb-girdle muscular dystrophy type 1F (LGMDD2). Also called: MUSCULAR DYSTROPHY, LIMB-GIRDLE, AUTOSOMAL DOMINANT 2; Limb-girdle muscular dystrophy, type 1F. Identifiers: Orphanet 55595, MedGen C1842062, MONDO:0012034, OMIM 608423.

Submission:

Labcorp Genetics (formerly Invitae), Labcorp
Classification: Uncertain significance for Autosomal dominant limb-girdle muscular dystrophy type 1F. Last evaluated: 2021-09-03. Review status: criteria provided, single submitter. Criteria: Invitae Variant Classification Sherloc (09022015). Collection method: clinical testing. Allele origin: germline.
Comment: This sequence change falls in intron 8 of the TNPO3 gene. It does not directly change the encoded amino acid sequence of the TNPO3 protein. It affects a nucleotide within the consensus splice site of the intron. This variant is not present in population databases (ExAC no frequency). This variant has not been reported in the literature in individuals affected with TNPO3-related conditions. Variants that disrupt the consensus splice site are a relatively common cause of aberrant splicing (PMID: 17576681, 9536098). Algorithms developed to predict the effect of sequence changes on RNA splicing suggest that this variant is not likely to affect RNA splicing. In summary, the available evidence is currently insufficient to determine the role of this variant in disease. Therefore, it has been classified as a Variant of Uncertain Significance.

Literature cited by the submitters: PubMed 17576681; PubMed 9536098.

NM_012470.4(TNPO3):c.1159-3T>C

Gene: TNPO3 (transportin 3; minus strand). Cytogenetic location: 7q32.1.
Variant type: single nucleotide variant.
Coding change: c.1159-3T>C on transcript NM_012470.4 (MANE Select); 3 bases into the intron before coding-DNA position 1159, T replaced by C.
Molecular consequence: intron variant.
Genome position (GRCh38, 1-based): chr7:128,993,917, A>G on the plus strand (T>C on the coding strand, the complement: TNPO3 is on the minus strand). VCF-style: chr7-128993917-A-G. GRCh37 (hg19) VCF-style: chr7-128633971-A-G.
Other names: c.1015-3T>C (NM_001382221.1); c.1012-3T>C (NM_001382222.1); c.1159-1827T>C (NM_001382219.1); c.1159-3T>C (NM_001382223.1, NM_001191028.3, NM_001382220.1 and 2 more transcripts); c.1240-3T>C (NM_001382217.1).
Identifiers: ClinVar variation 1503037 (VCV001503037.6), dbSNP rs2150358752, ClinGen allele CA2573141733.